The following is an entry in ClinVar:

ClinVar aggregate classification (germline): Likely benign. Review status: criteria provided, multiple submitters, no conflicts (2 of 4 stars). 2 submissions from 2 submitters: Likely benign (2). Last evaluated 2026-09-02.

Conditions:
LRP2-related disorder. Also called: LRP2-related condition.

Allele frequency attached by ClinVar (database versions not stated): 1000 Genomes Project 30x 0.00016; 1000 Genomes Project 0.00020.
gnomAD v4.1: 36 of 1,613,926 alleles (0.0022%); highest among the groups gnomAD compares: East Asian, 0.062%; no homozygotes.

Submissions (2):

PreventionGenetics, part of Exact Sciences
Classification: Likely benign for LRP2-related condition. Last evaluated: 2026-09-02. Review status: criteria provided, single submitter. Criteria: ACMG Guidelines, 2015. Collection method: clinical testing. Allele origin: germline.
Comment: This variant is classified as likely benign based on ACMG/AMP sequence variant interpretation guidelines (Richards et al. 2015 PMID: 25741868, with internal and published modifications).

Labcorp Genetics (formerly Invitae), Labcorp
Classification: Likely benign. Last evaluated: 2026-01-19. Review status: criteria provided, single submitter. Criteria: Invitae Variant Classification Sherloc (09022015). Collection method: clinical testing. Allele origin: germline.

NM_004525.3(LRP2):c.13137C>T (p.Pro4379=)

Gene: LRP2 (LDL receptor related protein 2; minus strand). Cytogenetic location: 2q31.1.
Variant type: single nucleotide variant.
Coding change: c.13137C>T on transcript NM_004525.3 (MANE Select); coding-DNA position 13137, C replaced by T.
Protein change: p.Pro4379=; no amino-acid change (proline 4379 retained).
Molecular consequence: synonymous variant.
Genome position (GRCh38, 1-based): chr2:169,140,517, G>A on the plus strand (C>T on the coding strand, the complement: LRP2 is on the minus strand). VCF-style: chr2-169140517-G-A. GRCh37 (hg19) VCF-style: chr2-169997027-G-A.
Other names: c.13137C>T (NM_004525.2).
Identifiers: ClinVar variation 1639045 (VCV001639045.9), dbSNP rs140160600, ClinGen allele CA1952643.
Genomic context (GRCh38, chr2:169,140,517, plus strand): 5'-GCATTTGGGGAGGTCAGTCTCATCAAAATAGCAATTTCCTCCGTGCATGCACCTGCATGG[G>A]GGGGGCAGGTTGATAGGCAGTTCGATGGCTGCAGGAAGGGAAAGCCATGCAGGTGTTAGT-3'
Protein context (NP_004516.2, residues 4369-4389): AAIELPINLP[Pro4379=]PCRCMHGGNC